The following is an entry in ClinVar:

NM_000548.5(TSC2):c.4006-5T>C

Gene: TSC2 (TSC complex subunit 2; plus strand). Cytogenetic location: 16p13.3.
Variant type: single nucleotide variant.
Coding change: c.4006-5T>C on transcript NM_000548.5 (MANE Select); 5 bases into the intron before coding-DNA position 4006, T replaced by C.
Molecular consequence: intron variant.
Genome position (GRCh38, 1-based): chr16:2,084,223, T>C. VCF-style: chr16-2084223-T-C. GRCh37 (hg19) VCF-style: chr16-2134224-T-C.
Other names: c.3937-5T>C (NM_001114382.3); c.3877-5T>C (NM_021055.3, NM_001370405.1); c.3808-5T>C (NM_001363528.2); c.3874-5T>C (NM_001370404.1); c.3805-5T>C (NM_001077183.3); c.3697-5T>C (NM_001318827.2); c.3274-5T>C (NM_001318831.2); c.3661-5T>C (NM_001318829.2); and 1 more.
Identifiers: ClinVar variation 824495 (VCV000824495.12), dbSNP rs1596415173, ClinGen allele CA915946301.

ClinVar aggregate classification (germline): Conflicting classifications of pathogenicity. Review status: criteria provided, conflicting classifications (1 of 4 stars). 4 submissions from 4 submitters: Uncertain significance (1); Likely benign (3). Last evaluated 2026-01-12.

Conditions:
Tuberous sclerosis syndrome (TSC). Also called: Tuberous Sclerosis Complex; Tuberous sclerosis. Identifiers: Orphanet 805, MedGen C0041341, MONDO:0001734.
Hereditary cancer-predisposing syndrome. Also called: Neoplastic Syndromes, Hereditary; Hereditary Cancer Syndrome; Hereditary neoplastic syndrome; Tumor predisposition. Identifiers: Orphanet 140162, MedGen C0027672, MeSH D009386, MONDO:0015356.
Tuberous sclerosis 2 (TSC2). Identifiers: Orphanet 805, MedGen C1860707, MONDO:0013199, OMIM 613254.

Allele frequency attached by ClinVar (database versions not stated): gnomAD exomes below 0.00001.
gnomAD v4.1: 4 of 1,578,998 alleles (0.00025%); highest among the groups gnomAD compares: Non-Finnish European, 0.00026%; no homozygotes.

Submissions (4):

Labcorp Genetics (formerly Invitae), Labcorp
Classification: Likely benign for Tuberous sclerosis 2. Last evaluated: 2026-01-12. Review status: criteria provided, single submitter. Criteria: Invitae Variant Classification Sherloc (09022015). Collection method: clinical testing. Allele origin: germline.

Myriad Genetics, Inc.
Classification: Likely benign for Tuberous sclerosis 2. Last evaluated: 2025-06-02. Review status: criteria provided, single submitter. Criteria: Myriad Autosomal Dominant, Autosomal Recessive and X-Linked Classification Criteria (2023). Collection method: clinical testing. Allele origin: unknown.
Comment: This variant is considered likely benign. This variant is intronic and is not expected to impact mRNA splicing.

All of Us Research Program, National Institutes of Health
Classification: Likely benign for Tuberous sclerosis syndrome. Last evaluated: 2024-06-17. Review status: criteria provided, single submitter. Criteria: ACMG Guidelines, 2015. Collection method: clinical testing. Allele origin: germline. Inheritance: Autosomal dominant inheritance. Observed: 1 variant allele, 1 heterozygote.
Comment: This study involves interpretation of variants in research participants for the purpose of population health screening. Participant phenotype was not available at the time of variant classification. Additional details can be found in publication PMID: 35346344, PMCID: PMC8962531

Ambry Genetics
Classification: Uncertain significance for Hereditary cancer-predisposing syndrome. Last evaluated: 2024-04-08. Review status: criteria provided, single submitter. Criteria: Ambry Variant Classification Scheme 2023. Collection method: clinical testing. Allele origin: germline.
Comment: The c.4006-5T>C intronic variant results from a T to C substitution 5 nucleotides upstream from coding exon 33 in the TSC2 gene. This nucleotide position is not well conserved in available vertebrate species. In silico splice site analysis predicts that this alteration will not have any significant effect on splicing. However, direct RNA evidence is insufficient at this time (Ambry internal data). Since supporting evidence is limited at this time, the clinical significance of this alteration remains unclear.